The following is an entry in ClinVar:

ClinVar aggregate classification (germline): Uncertain significance. Review status: criteria provided, multiple submitters, no conflicts (2 of 4 stars). 2 submissions from 2 submitters: Uncertain significance (2). Last evaluated 2025-06-03.

Allele frequency attached by ClinVar (database versions not stated): gnomAD exomes below 0.00001 and 0.00001; gnomAD 0.00001; TOPMed 0.00001.
gnomAD v4.1: 8 of 1,613,932 alleles (0.0005%); highest among the groups gnomAD compares: Non-Finnish European, 0.00068%; no homozygotes.

Submissions (2):

Labcorp Genetics (formerly Invitae), Labcorp
Classification: Uncertain significance. Last evaluated: 2025-06-03. Review status: criteria provided, single submitter. Criteria: Invitae Variant Classification Sherloc (09022015). Collection method: clinical testing. Allele origin: germline.
Comment: This sequence change replaces isoleucine, which is neutral and non-polar, with valine, which is neutral and non-polar, at codon 291 of the PRPF6 protein (p.Ile291Val). This variant is present in population databases (no rsID available, gnomAD 0.0009%). This variant has not been reported in the literature in individuals affected with PRPF6-related conditions. ClinVar contains an entry for this variant (Variation ID: 961862). Invitae Evidence Modeling of protein sequence and biophysical properties (such as structural, functional, and spatial information, amino acid conservation, physicochemical variation, residue mobility, and thermodynamic stability) indicates that this missense variant is not expected to disrupt PRPF6 protein function with a negative predictive value of 80%. In summary, the available evidence is currently insufficient to determine the role of this variant in disease. Therefore, it has been classified as a Variant of Uncertain Significance.

Blueprint Genetics
Classification: Uncertain significance. Last evaluated: 2022-11-16. Review status: criteria provided, single submitter. Criteria: ACMG Guidelines, 2015. Collection method: clinical testing. Allele origin: germline.

NM_012469.4(PRPF6):c.871A>G (p.Ile291Val)

Gene: PRPF6 (pre-mRNA processing factor 6; plus strand). Cytogenetic location: 20q13.33.
Variant type: single nucleotide variant.
Coding change: c.871A>G on transcript NM_012469.4 (MANE Select); coding-DNA position 871, A replaced by G.
Protein change: p.Ile291Val; replaces isoleucine 291 with valine.
Molecular consequence: missense variant.
Genome position (GRCh38, 1-based): chr20:63,999,607, A>G. VCF-style: chr20-63999607-A-G. GRCh37 (hg19) VCF-style: chr20-62630960-A-G.
Other names: short protein forms I291V.
Identifiers: ClinVar variation 961862 (VCV000961862.10), dbSNP rs895004636, ClinGen allele CA317529296.